The following is an entry in ClinVar:

NM_003632.2(CNTNAP1):c.[1869G>A];[967T>C]

Variant type: CompoundHeterozygote.
Identifiers: ClinVar variation 427821 (VCV000427821.3).

ClinVar aggregate classification (germline): Pathogenic (0 of 4 stars; one submission).

Conditions:
Lethal congenital contracture syndrome 7 (LCCS7). Identifiers: MedGen C4225386, MONDO:0014569, OMIM 616286.

Submission:

Laboratory of Molecular Genetics (Pr. Bezieau's lab), CHU de Nantes
Classification: Pathogenic for Lethal congenital contracture syndrome 7. Review status: no assertion criteria provided. Collection method: clinical testing. Allele origin: germline. Inheritance: Autosomal recessive inheritance. Affected: yes. Observed: 2 variant alleles, 2 compound heterozygotes. Clinical features observed: Demyelinating peripheral neuropathy, Arthrogryposis multiplex congenita.
Comment: Compound heterozygous variants in CNTNAP1 found in two brothers who died in the first days of life with a demyelinating peripheral neuropathy similar as the one described by Laquerriere et al. (2014).